The following is an entry in ClinVar:

ClinVar aggregate classification (germline): Benign. Review status: criteria provided, multiple submitters, no conflicts (2 of 4 stars). 5 submissions from 5 submitters: Benign (4). 1 of the submissions does not count toward it. Last evaluated 2026-02-02.

Conditions:
Cystic leukoencephalopathy without megalencephaly. Identifiers: Orphanet 85136, MedGen C2751843, MONDO:0013058, OMIM 612951.

Allele frequency attached by ClinVar (database versions not stated): 1000 Genomes Project 0.07548; 1000 Genomes Project 30x 0.07651; gnomAD 0.07956 and 0.08102; TOPMed 0.08153; ESP Exome Variant Server 0.08781.
gnomAD v4.1: 115,673 of 1,613,952 alleles (7.2%); highest among the groups gnomAD compares: African/African-American, 11%; 4,376 homozygotes.

Submissions (5):

Labcorp Genetics (formerly Invitae), Labcorp
Classification: Benign. Last evaluated: 2026-02-02. Review status: criteria provided, single submitter. Criteria: Invitae Variant Classification Sherloc (09022015). Collection method: clinical testing. Allele origin: germline.

Blueprint Genetics
Classification: Benign. Last evaluated: 2024-11-26. Review status: criteria provided, single submitter. Criteria: ACMG Guidelines, 2015. Collection method: clinical testing. Allele origin: germline.

Illumina Laboratory Services, Illumina
Classification: Benign for Cystic leukoencephalopathy without megalencephaly. Last evaluated: 2018-01-12. Review status: criteria provided, single submitter. Criteria: ICSL Variant Classification Criteria 13 December 2019. Collection method: clinical testing. Allele origin: germline.
Comment: This variant was observed in the ICSL laboratory as part of a predisposition screen in an ostensibly healthy population. It had not been previously curated by ICSL or reported in the Human Gene Mutation Database (HGMD: prior to June 1st, 2018), and was therefore a candidate for classification through an automated scoring system. Utilizing variant allele frequency, disease prevalence and penetrance estimates, and inheritance mode, an automated score was calculated to assess if this variant is too frequent to cause the disease. Based on the score and internal cut-off values, a variant classified as benign is not then subjected to further curation. The score for this variant resulted in a classification of benign for this disease.

Clinical Genetics DNA and cytogenetics Diagnostics Lab, Erasmus MC, Erasmus Medical Center
Classification: Benign for Cystic leukoencephalopathy without megalencephaly. Last evaluated: 2017-05-31. Review status: criteria provided, single submitter. Criteria: ACGS Guidelines, 2013. Collection method: clinical testing. Allele origin: germline. Affected: yes. Study: VKGL Data-share Consensus.

Diagnostic Laboratory, Department of Genetics, University Medical Center Groningen
Classification: Benign for Cystic leukoencephalopathy without megalencephaly. Review status: no assertion criteria provided. Collection method: clinical testing. Allele origin: germline. Affected: yes. Study: VKGL Data-share Consensus. Not counted in ClinVar's aggregate classification.

NM_003730.6(RNASET2):c.706C>T (p.Arg236Trp)

Gene: RNASET2 (ribonuclease T2; minus strand). Cytogenetic location: 6q27.
Variant type: single nucleotide variant.
Coding change: c.706C>T on transcript NM_003730.6 (MANE Select); coding-DNA position 706, C replaced by T.
Protein change: p.Arg236Trp; replaces arginine 236 with tryptophan.
Molecular consequence: missense variant.
Genome position (GRCh38, 1-based): chr6:166,929,653, G>A on the plus strand (C>T on the coding strand, the complement: RNASET2 is on the minus strand). VCF-style: chr6-166929653-G-A. GRCh37 (hg19) VCF-style: chr6-167343141-G-A.
Other names: short protein forms R236W.
Identifiers: ClinVar variation 356027 (VCV000356027.15), dbSNP rs11159, ClinGen allele CA4094807.
Genomic context (GRCh38, chr6:166,929,653, plus strand): 5'-GCTTGGTCTTTTTAGGTGGGGGATAGAAGACTGGGCCATCTTCACAGACTCTCAGACCCC[G>A]GCTCTCGGCGGCCCCATTTGCCAGCCAGACTTCCTGCTTGGGGGACGGCTGCTCCCCCGG-3'
Protein context (NP_003721.2, residues 226-246): VWLANGAAES[Arg236Trp]GLRVCEDGPV